The following is an entry in ClinVar:

ClinVar aggregate classification (germline): Uncertain significance (1 of 4 stars; one submission).

Conditions:
Otofaciocervical syndrome 2 (OTFCS2). Also called: OTOFACIOCERVICAL SYNDROME 2, WITH T-CELL DEFICIENCY. Identifiers: MedGen C5442121, MONDO:0014254, OMIM 615560.

Submission:

Juno Genomics, Hangzhou Juno Genomics, Inc
Classification: Uncertain significance for Otofaciocervical syndrome 2. Review status: criteria provided, single submitter. Criteria: ACMG Guidelines, 2015. Collection method: clinical testing. Allele origin: germline.
Comment: Absent from controls (or at extremely low frequency if recessive) in Genome Aggregation Database.;Protein length changes due to in-frame deletions/insertions in a non-repeat region or stop-loss variants.

NM_001257096.2(PAX1):c.1372T>C (p.Ter458Gln)

Gene: PAX1 (paired box 1; plus strand). Cytogenetic location: 20p11.22.
Variant type: single nucleotide variant.
Coding change: c.1372T>C on transcript NM_001257096.2 (MANE Select); coding-DNA position 1372, T replaced by C.
Protein change: p.Ter458Gln.
Molecular consequence: stop lost. On other transcripts: synonymous variant (1).
Genome position (GRCh38, 1-based): chr20:21,714,560, T>C. VCF-style: chr20-21714560-T-C. GRCh37 (hg19) VCF-style: chr20-21695198-T-C.
Other names: c.1362T>C, p.Pro454= (NM_006192.5).
Identifiers: ClinVar variation 5006362 (VCV005006362.2).